The following is an entry in ClinVar:

NM_001868.4(CPA1):c.875T>C (p.Phe292Ser)

Gene: CPA1 (carboxypeptidase A1; plus strand). Cytogenetic location: 7q32.2.
Variant type: single nucleotide variant.
Coding change: c.875T>C on transcript NM_001868.4 (MANE Select); coding-DNA position 875, T replaced by C.
Protein change: p.Phe292Ser; replaces phenylalanine 292 with serine.
Molecular consequence: missense variant.
Genome position (GRCh38, 1-based): chr7:130,385,233, T>C. VCF-style: chr7-130385233-T-C. GRCh37 (hg19) VCF-style: chr7-130025074-T-C.
Other names: short protein forms F292S.
Identifiers: ClinVar variation 5034899 (VCV005034899.1).

ClinVar aggregate classification (germline): Uncertain significance (1 of 4 stars; one submission).

Conditions:
Hereditary pancreatitis (PCTT). Also called: Hereditary chronic pancreatitis; PRSS1-Related Hereditary Pancreatitis. Identifiers: Orphanet 676, MedGen C0238339, MONDO:0008185, OMIM 167800.

Submission:

Ambry Genetics
Classification: Uncertain significance for Hereditary pancreatitis. Last evaluated: 2026-07-27. Review status: criteria provided, single submitter. Criteria: Ambry Variant Classification Scheme 2023. Collection method: clinical testing. Allele origin: germline.
Comment: The p.F292S variant (also known as c.875T>C), located in coding exon 8 of the CPA1 gene, results from a T to C substitution at nucleotide position 875. The phenylalanine at codon 292 is replaced by serine, an amino acid with highly dissimilar properties. This amino acid position is conserved. In addition, the in silico prediction for this alteration is inconclusive. Based on the available evidence, the clinical significance of this variant remains unclear.